The following is an entry in ClinVar:

NM_020822.3(KCNT1):c.110+3dup

Gene: KCNT1 (potassium sodium-activated channel subfamily T member 1; plus strand). Cytogenetic location: 9q34.3.
Variant type: Duplication.
Coding change: c.110+3dup on transcript NM_020822.3 (MANE Select); 3 bases into the intron after coding-DNA position 110, one base duplicated (A; older notation c.110+3dupA).
Molecular consequence: intron variant.
Genome position (GRCh38, 1-based): chr9:135,702,371, A duplicated. VCF-style (leftmost placement, unchanged base first): chr9-135702370-T-TA. GRCh37 (hg19) VCF-style: chr9-138594216-T-TA.
Other names: c.110+3dup (NM_001272003.2).
Identifiers: ClinVar variation 2942800 (VCV002942800.3), dbSNP rs2490551459, ClinGen allele CA2740092929.

ClinVar aggregate classification (germline): Uncertain significance (1 of 4 stars; one submission).

Conditions:
Autosomal dominant nocturnal frontal lobe epilepsy 5. Also called: Epilepsy, nocturnal frontal lobe, 5; CILIARY DYSKINESIA, PRIMARY, 28, WITHOUT SITUS INVERSUS; CILIARY DYSKINESIA, PRIMARY, 28, WITH SITUS INVERSUS; KCNT1-Related Epilepsy. Identifiers: Orphanet 98784, MedGen C3554306, MONDO:0014002, OMIM 615005.
Developmental and epileptic encephalopathy, 14 (DEE14). Also called: Early infantile epileptic encephalopathy 14. Identifiers: Orphanet 293181, MedGen C3554195, MONDO:0013989, OMIM 614959.

Submission:

Labcorp Genetics (formerly Invitae), Labcorp
Classification: Uncertain significance for Autosomal dominant nocturnal frontal lobe epilepsy 5; Developmental and epileptic encephalopathy, 14. Last evaluated: 2022-12-30. Review status: criteria provided, single submitter. Criteria: Invitae Variant Classification Sherloc (09022015). Collection method: clinical testing. Allele origin: germline.
Comment: This sequence change falls in intron 1 of the KCNT1 gene. It does not directly change the encoded amino acid sequence of the KCNT1 protein. It affects a nucleotide within the consensus splice site. This variant is not present in population databases (gnomAD no frequency). This variant has not been reported in the literature in individuals affected with KCNT1-related conditions. Variants that disrupt the consensus splice site are a relatively common cause of aberrant splicing (PMID: 17576681, 9536098). Algorithms developed to predict the effect of sequence changes on RNA splicing suggest that this variant is not likely to affect RNA splicing. In summary, the available evidence is currently insufficient to determine the role of this variant in disease. Therefore, it has been classified as a Variant of Uncertain Significance.

Literature cited by the submitters: PubMed 17576681; PubMed 9536098.